The following is an entry in ClinVar:

ClinVar aggregate classification (germline): Benign. Review status: reviewed by expert panel (3 of 4 stars). 2 submissions from 2 submitters: Benign (1). 1 of the submissions does not count toward it. Last evaluated 2016-09-28.

Conditions:
Breast-ovarian cancer, familial, susceptibility to, 1 (BROVCA1). Also called: BRCA1 Hereditary Breast and Ovarian Cancer; OVARIAN CANCER, SUSCEPTIBILITY TO. Identifiers: Orphanet 145, MedGen C2676676, MONDO:0011450, OMIM 604370. Disease mechanism: loss of function.

Allele frequency attached by ClinVar (database versions not stated): gnomAD 0.00004 and 0.00071; TOPMed 0.00013; 1000 Genomes Project 30x 0.00437; 1000 Genomes Project 0.00519.
gnomAD v4.1: 106 of 152,322 alleles (0.07%); highest among the groups gnomAD compares: South Asian, 2.1%; 1 homozygote.

Submissions (2):

Evidence-based Network for the Interpretation of Germline Mutant Alleles (ENIGMA)
Classification: Benign for Breast-ovarian cancer, familial, susceptibility to, 1. Last evaluated: 2016-09-28. Review status: reviewed by expert panel. Criteria: ENIGMA BRCA1/2 Classification Criteria (2015). Collection method: curation. Allele origin: germline.
Comment: Class 1 not pathogenic based on frequency >1% in an outbred sampleset. Frequency 0.0266 (South Asian), derived from 1000 genomes (2013-05-02).

Breakthrough Genomics
Classification: Benign. Review status: criteria provided, single submitter. Criteria: ACMG Guidelines, 2015. Collection method: not provided. Allele origin: germline. Inheritance: Autosomal recessive inheritance. Affected: yes. Not counted in ClinVar's aggregate classification.

NM_007294.4(BRCA1):c.4357+651A>G

Gene: BRCA1 (BRCA1 DNA repair associated; minus strand). Cytogenetic location: 17q21.31.
Variant type: single nucleotide variant.
Coding change: c.4357+651A>G on transcript NM_007294.4 (MANE Select); 651 bases into the intron after coding-DNA position 4357, A replaced by G.
Molecular consequence: intron variant.
Genome position (GRCh38, 1-based): chr17:43,081,753, T>C on the plus strand (A>G on the coding strand, the complement: BRCA1 is on the minus strand). VCF-style: chr17-43081753-T-C. GRCh37 (hg19) VCF-style: chr17-41233770-T-C.
Other names: c.4357+651A>G (NM_001407583.1, NM_001407621.1, NM_001407593.1 and 23 more transcripts); c.4216+651A>G (NM_001407724.1, NM_001407697.1, NM_001407737.1 and 23 more transcripts); c.4213+651A>G (NM_001407838.1, NM_001407741.1, NM_001407747.1 and 23 more transcripts); c.907+651A>G (NM_001408410.1, NM_001408458.1, NM_001408453.1 and 8 more transcripts); c.970+651A>G (NM_001408415.1, NM_001408412.1, NM_001408409.1 and 2 more transcripts); c.838+651A>G (NM_001408483.1, NM_001408481.1, NM_001408480.1 and 6 more transcripts); c.4354+651A>G (NM_001407634.1, NM_001407610.1, NM_001407613.1 and 21 more transcripts); c.922+651A>G (NM_001408442.1, NM_001408446.1, NM_001408435.1 and 10 more transcripts); and 51 more.
Identifiers: ClinVar variation 264818 (VCV000264818.3), dbSNP rs530463308, ClinGen allele CA10588216.